The following is an entry in ClinVar:

ClinVar aggregate classification (germline): Uncertain significance (1 of 4 stars; one submission).

Submission:

Women's Health and Genetics/Laboratory Corporation of America, LabCorp
Classification: Uncertain significance. Last evaluated: 2025-07-24. Review status: criteria provided, single submitter. Criteria: LabCorp Variant Classification Summary - May 2015. Collection method: clinical testing. Allele origin: germline.
Comment: Variant summary: CCNK c.1300A>G (p.Thr434Ala) results in a non-conservative amino acid change in the encoded protein sequence. Algorithms developed to predict the effect of missense changes on protein structure and function are either unavailable or do not agree on the potential impact of this missense change. The variant was absent in 1564392 control chromosomes. The available data on variant occurrences in the general population are insufficient to allow any conclusion about variant significance. To our knowledge, no occurrence of c.1300A>G in individuals affected with Intellectual Developmental Disorder With Hypertelorism And Distinctive Facies and no experimental evidence demonstrating its impact on protein function have been reported. No submitters have cited clinical-significance assessments for this variant to ClinVar. Based on the evidence outlined above, the variant was classified as uncertain significance.

NM_001099402.2(CCNK):c.1300A>G (p.Thr434Ala)

Genes: CCDC85C (coiled-coil domain containing 85C; minus strand), CCNK (cyclin K; plus strand). Cytogenetic location: 14q32.2.
Variant type: single nucleotide variant.
Coding change: c.1300A>G on transcript NM_001099402.2 (MANE Select); coding-DNA position 1300, A replaced by G.
Protein change: p.Thr434Ala; replaces threonine 434 with alanine.
Molecular consequence: missense variant. On other transcripts: 3 prime UTR variant (1).
Genome position (GRCh38, 1-based): chr14:99,510,339, A>G. VCF-style: chr14-99510339-A-G. GRCh37 (hg19) VCF-style: chr14-99976676-A-G.
Other names: c.*4907T>C (NM_001144995.2); short protein forms T434A.
Identifiers: ClinVar variation 4526227 (VCV004526227.1).